The following is an entry in ClinVar:

NM_000256.3(MYBPC3):c.2309-121_2309-120del

Gene: MYBPC3 (myosin binding protein C3; minus strand). Cytogenetic location: 11p11.2.
Variant type: Deletion.
Coding change: c.2309-121_2309-120del on transcript NM_000256.3 (MANE Select); 121 bases into the intron before coding-DNA position 2309 through 120 bases into the intron before coding-DNA position 2309, 2 bases deleted (TT; older notation c.2309-121_2309-120delTT).
Molecular consequence: intron variant.
Genome position (GRCh38, 1-based): chr11:47,337,914-47,337,915, AA deleted on the plus strand (TT on the coding strand, the reverse complement: MYBPC3 is on the minus strand); deleting any 2 consecutive bases within chr11:47,337,914-47,337,916 gives the same sequence; the c. name uses the placement nearest the transcript's 3' end. VCF-style (leftmost placement, unchanged base first): chr11-47337913-CAA-C. GRCh37 (hg19) VCF-style: chr11-47359464-CAA-C.
Other names: c.2309-121_2309-120delTT (NM_000256.3).
Identifiers: ClinVar variation 674276 (VCV000674276.1), dbSNP rs11570095, ClinGen allele CA221689149.

ClinVar aggregate classification (germline): Benign (1 of 4 stars; one submission).

Submission:

GeneDx
Classification: Benign. Last evaluated: 2018-06-14. Review status: criteria provided, single submitter. Criteria: GeneDx Variant Classification (06012015). Collection method: clinical testing. Allele origin: germline. Affected: yes.
Comment: This variant is considered likely benign or benign based on one or more of the following criteria: it is a conservative change, it occurs at a poorly conserved position in the protein, it is predicted to be benign by multiple in silico algorithms, and/or has population frequency not consistent with disease.